The following is an entry in ClinVar:

NM_004958.4(MTOR):c.1478T>C (p.Met493Thr)

Gene: MTOR (mechanistic target of rapamycin kinase; minus strand). Cytogenetic location: 1p36.22.
Variant type: single nucleotide variant.
Coding change: c.1478T>C on transcript NM_004958.4 (MANE Select); coding-DNA position 1478, T replaced by C.
Protein change: p.Met493Thr; replaces methionine 493 with threonine.
Molecular consequence: missense variant.
Genome position (GRCh38, 1-based): chr1:11,241,616, A>G on the plus strand (T>C on the coding strand, the complement: MTOR is on the minus strand). VCF-style: chr1-11241616-A-G. GRCh37 (hg19) VCF-style: chr1-11301673-A-G.
Other names: c.1478T>C, p.Met493Thr (NM_001386500.1); c.230T>C, p.Met77Thr (NM_001386501.1); short protein forms M77T, M493T.
Identifiers: ClinVar variation 3708586 (VCV003708586.2).

ClinVar aggregate classification (germline): Uncertain significance (1 of 4 stars; one submission).

gnomAD v4.1: 3 of 1,614,074 alleles (0.00019%); highest among the groups gnomAD compares: South Asian, 0.0022%; no homozygotes.

Submission:

Labcorp Genetics (formerly Invitae), Labcorp
Classification: Uncertain significance. Last evaluated: 2024-08-29. Review status: criteria provided, single submitter. Criteria: Invitae Variant Classification Sherloc (09022015). Collection method: clinical testing. Allele origin: germline.
Comment: This sequence change replaces methionine, which is neutral and non-polar, with threonine, which is neutral and polar, at codon 493 of the MTOR protein (p.Met493Thr). This variant is present in population databases (rs770410760, gnomAD 0.003%). This variant has not been reported in the literature in individuals affected with MTOR-related conditions. Invitae Evidence Modeling of protein sequence and biophysical properties (such as structural, functional, and spatial information, amino acid conservation, physicochemical variation, residue mobility, and thermodynamic stability) indicates that this missense variant is not expected to disrupt MTOR protein function with a negative predictive value of 95%. In summary, the available evidence is currently insufficient to determine the role of this variant in disease. Therefore, it has been classified as a Variant of Uncertain Significance.